The following is an entry in ClinVar:

NM_001386298.1(CIC):c.7464A>C (p.Pro2488=)

Gene: CIC (capicua transcriptional repressor; plus strand). Cytogenetic location: 19q13.2.
Variant type: single nucleotide variant.
Coding change: c.7464A>C on transcript NM_001386298.1 (MANE Select); coding-DNA position 7464, A replaced by C.
Protein change: p.Pro2488=; no amino-acid change (proline 2488 retained).
Molecular consequence: synonymous variant.
Genome position (GRCh38, 1-based): chr19:42,295,101, A>C. VCF-style: chr19-42295101-A-C. GRCh37 (hg19) VCF-style: chr19-42799253-A-C.
Other names: c.7464A>C, p.Pro2488= (NM_001304815.2); c.7461A>C, p.Pro2487= (NM_001379480.1, NM_001379482.1, NM_001379483.1); c.4731A>C, p.Pro1577= (NM_001379484.1); c.4728A>C, p.Pro1576= (NM_001379485.1); c.4737A>C, p.Pro1579= (NM_015125.5).
Identifiers: ClinVar variation 2650023 (VCV002650023.24), dbSNP rs917194002, ClinGen allele CA308636704.

ClinVar aggregate classification (germline): Likely benign (1 of 4 stars; one submission).

Allele frequency attached by ClinVar (database versions not stated): gnomAD exomes 0.00002; gnomAD 0.00006.
gnomAD v4.1: 35 of 1,523,312 alleles (0.0023%); highest among the groups gnomAD compares: African/African-American, 0.0084%; no homozygotes.

Submission:

CeGaT Center for Human Genetics Tuebingen
Classification: Likely benign. Last evaluated: 2025-01-01. Review status: criteria provided, single submitter. Criteria: CeGaT Center For Human Genetics Tuebingen Variant Classification Criteria Version 2. Collection method: clinical testing. Allele origin: germline. Affected: yes. Observed: 2 variant alleles.
Comment: CIC: BP4, BP7